The following is an entry in ClinVar:

GRCh38/hg38 10q11.22-11.23(chr10:45795500-50134000)

Genes: NPY4R (neuropeptide Y receptor Y4; minus strand), NPY4R2 (neuropeptide Y receptor Y4-2; plus strand), OGDHL (oxoglutarate dehydrogenase L; minus strand), PARG (poly(ADP-ribose) glycohydrolase; minus strand), TMEM273 (transmembrane protein 273; minus strand) and 119 more. Cytogenetic location: 10q11.22-11.23.
Variant type: copy number loss.
Identifiers: ClinVar variation 3235900 (VCV003235900.1).

ClinVar aggregate classification (germline): Likely pathogenic (1 of 4 stars; one submission).

Conditions:
Pulmonary arterial hypertension. Identifiers: Orphanet 182090, MedGen C2973725, MeSH D000081029, MONDO:0015924, HP:0002092.

Submission:

New York Genome Center
Classification: Likely pathogenic for Pulmonary arterial hypertension. Last evaluated: 2023-02-28. Review status: criteria provided, single submitter. Criteria: NYGC Assertion Criteria 2020. Collection method: clinical testing. Allele origin: inherited. Observed: 1 variant allele. Study: PrenatalSEQ.
Comment: The 10q11.22q11.23 deletion identified here is approximately 4.35 Mb in size. Growth differentiation factor 2 [GDF2 (previously BMP9); MIM#605120] within the deleted region encodes a secreted ligand of the TGF-beta (transforming growth factor-beta) superfamily of proteins, which regulates cartilage and bone development, angiogenesis, and differentiation of cholinergic central nervous system neurons. Heterozygous pathogenic variants in GDF2 resulting in loss of function or deletions involving GDF2 are associated with Pulmonary arterial hypertension [AD; MONDO:0015924]. This ~4.35 Mb deletion has been reported in individuals with pulmonary arterial hypertension and it was found to result in more decrease in the secreted protein levels compared to missense variants whereby might predispose to higher risk for early onset presentation [PMID: 31661308, 34831401]. There is no available data on 10q11.22q11.23 deletion carriers but inherited pulmonary arterial hypertension may show variable expressivity and incomplete penetrance [PMID:36302552]. Based on available evidence this inherited ~4.35 Mb deletion at 10q11.22q11.23 is classified as Likely pathogenic for autosomal dominant pulmonary arterial hypertension

Literature cited by the submitters: PubMed 31661308; PubMed 34831401.